The following is an entry in ClinVar:

ClinVar aggregate classification (germline): Pathogenic/Likely pathogenic. Review status: criteria provided, multiple submitters, no conflicts (2 of 4 stars). 3 submissions from 3 submitters: Pathogenic (2); Likely pathogenic (1). Last evaluated 2025-12-15.

Conditions:
MYO7A-related disorder. Also called: MYO7A-related disorders.
Usher syndrome type 1 (USH1). Also called: RETINITIS PIGMENTOSA AND CONGENITAL DEAFNESS. Identifiers: Orphanet 231169, Orphanet 886, MedGen C1568247, MONDO:0010168, OMIM 276900.
Autosomal dominant nonsyndromic hearing loss 11. Identifiers: Orphanet 90635, MedGen C1832475, MONDO:0011032, OMIM 601317.
Autosomal recessive nonsyndromic hearing loss 2. Also called: DEAFNESS, AUTOSOMAL RECESSIVE 2; NEUROSENSORY NONSYNDROMIC RECESSIVE DEAFNESS 2. Identifiers: Orphanet 90636, MedGen C1838701, MONDO:0010807, OMIM 600060.

gnomAD v4.1: 4 of 1,607,166 alleles (0.00025%); highest among the groups gnomAD compares: Non-Finnish European, 0.000085%; no homozygotes.

Submissions (3):

Labcorp Genetics (formerly Invitae), Labcorp
Classification: Pathogenic. Last evaluated: 2025-12-15. Review status: criteria provided, single submitter. Criteria: Invitae Variant Classification Sherloc (09022015). Collection method: clinical testing. Allele origin: germline.
Comment: This sequence change creates a premature translational stop signal (p.Trp1466*) in the MYO7A gene. It is expected to result in an absent or disrupted protein product. Loss-of-function variants in MYO7A are known to be pathogenic (PMID: 8900236, 25404053). This variant is not present in population databases (gnomAD no frequency). This premature translational stop signal has been observed in individual(s) with Usher syndrome (PMID: 25252889). ClinVar contains an entry for this variant (Variation ID: 3891795). For these reasons, this variant has been classified as Pathogenic.

Department of Pathology and Laboratory Medicine, Sinai Health System
Classification: Pathogenic for Usher syndrome type 1; Autosomal recessive nonsyndromic hearing loss 2; Autosomal dominant nonsyndromic hearing loss 11. Last evaluated: 2022-01-28. Review status: criteria provided, single submitter. Criteria: ACMG Guidelines, 2015. Collection method: research. Allele origin: germline.

Blueprint Genetics
Classification: Likely pathogenic for MYO7A-related disorders. Last evaluated: 2017-08-25. Review status: criteria provided, single submitter. Criteria: ACMG Guidelines, 2015. Collection method: clinical testing. Allele origin: germline. Affected: yes. Observed: 1 variant allele.

Literature cited by the submitters: PubMed 8900236 (cited by Labcorp Genetics (formerly Invitae), Labcorp); PubMed 25404053 (cited by Labcorp Genetics (formerly Invitae), Labcorp); PubMed 25252889 (cited by Labcorp Genetics (formerly Invitae), Labcorp).

NM_000260.4(MYO7A):c.4397G>A (p.Trp1466Ter)

Gene: MYO7A (myosin VIIA; plus strand). Cytogenetic location: 11q13.5.
Variant type: single nucleotide variant.
Coding change: c.4397G>A on transcript NM_000260.4 (MANE Select); coding-DNA position 4397, G replaced by A.
Protein change: p.Trp1466Ter; replaces tryptophan 1466 with a stop codon.
Molecular consequence: nonsense.
Genome position (GRCh38, 1-based): chr11:77,197,554, G>A. VCF-style: chr11-77197554-G-A. GRCh37 (hg19) VCF-style: chr11-76908599-G-A.
Other names: c.4397G>A, p.Trp1466Ter (NM_001127180.2); c.4364G>A, p.Trp1455Ter (NM_001369365.1); short protein forms W1455*, W1466*.
Identifiers: ClinVar variation 3891795 (VCV003891795.3).
Genomic context (GRCh38, chr11:77,197,554, plus strand): 5'-AGAGGAGAACTGATGCCCAGAAGGTCAAAGAGGATGTGGTCAGTTATGCCCGCTTCAAGT[G>A]GCCCTTGCTCTTCTCCAGGTTTTATGAAGCCTACAAATTCTCAGGTACCCCGCAGCCTGC-3'